The following is an entry in ClinVar:

ClinVar aggregate classification (germline): Uncertain significance (1 of 4 stars; one submission).

Submission:

Labcorp Genetics (formerly Invitae), Labcorp
Classification: Uncertain significance. Last evaluated: 2022-07-18. Review status: criteria provided, single submitter. Criteria: Invitae Variant Classification Sherloc (09022015). Collection method: clinical testing. Allele origin: germline.
Comment: This sequence change replaces aspartic acid, which is acidic and polar, with tyrosine, which is neutral and polar, at codon 485 of the SLC16A1 protein (p.Asp485Tyr). In summary, the available evidence is currently insufficient to determine the role of this variant in disease. Therefore, it has been classified as a Variant of Uncertain Significance. Algorithms developed to predict the effect of missense changes on protein structure and function (SIFT, PolyPhen-2, Align-GVGD) all suggest that this variant is likely to be tolerated. This variant is not present in population databases (gnomAD no frequency). This variant has not been reported in the literature in individuals affected with SLC16A1-related conditions.

NM_003051.4(SLC16A1):c.1453G>T (p.Asp485Tyr)

Gene: SLC16A1 (solute carrier family 16 member 1; minus strand). Cytogenetic location: 1p13.2.
Variant type: single nucleotide variant.
Coding change: c.1453G>T on transcript NM_003051.4 (MANE Select); coding-DNA position 1453, G replaced by T.
Protein change: p.Asp485Tyr; replaces aspartic acid 485 with tyrosine.
Molecular consequence: missense variant.
Genome position (GRCh38, 1-based): chr1:112,913,941, C>A on the plus strand (G>T on the coding strand, the complement: SLC16A1 is on the minus strand). VCF-style: chr1-112913941-C-A. GRCh37 (hg19) VCF-style: chr1-113456563-C-A.
Other names: c.1453G>T, p.Asp485Tyr (NM_001166496.2); short protein forms D485Y.
Identifiers: ClinVar variation 2087117 (VCV002087117.4), dbSNP rs2525072505, ClinGen allele CA341826745.